The following is an entry in ClinVar:

NM_001130009.3(GEN1):c.581A>T (p.Asp194Val)

Gene: GEN1 (GEN1 structure-specific endonuclease; plus strand). Cytogenetic location: 2p24.2.
Variant type: single nucleotide variant.
Coding change: c.581A>T on transcript NM_001130009.3 (MANE Select); coding-DNA position 581, A replaced by T.
Protein change: p.Asp194Val; replaces aspartic acid 194 with valine.
Molecular consequence: missense variant.
Genome position (GRCh38, 1-based): chr2:17,766,634, A>T. VCF-style: chr2-17766634-A-T. GRCh37 (hg19) VCF-style: chr2-17947901-A-T.
Other names: c.581A>T, p.Asp194Val (NM_182625.5); short protein forms D194V.
Identifiers: ClinVar variation 4857997 (VCV004857997.1).

ClinVar aggregate classification (germline): Uncertain significance (1 of 4 stars; one submission).

Submission:

Ambry Genetics
Classification: Uncertain significance. Last evaluated: 2026-05-26. Review status: criteria provided, single submitter. Criteria: Ambry Variant Classification Scheme 2023. Collection method: clinical testing. Allele origin: germline.
Comment: The p.D194V variant (also known as c.581A>T), located in coding exon 4 of the GEN1 gene, results from an A to T substitution at nucleotide position 581. The aspartic acid at codon 194 is replaced by valine, an amino acid with highly dissimilar properties. This amino acid position is conserved. In addition, the in silico prediction for this alteration is inconclusive. Based on the available evidence, the clinical significance of this variant remains unclear.